The following is an entry in ClinVar:

NM_000193.4(SHH):c.313A>C (p.Lys105Gln)

Gene: SHH (sonic hedgehog signaling molecule; minus strand). Cytogenetic location: 7q36.3.
Variant type: single nucleotide variant.
Coding change: c.313A>C on transcript NM_000193.4 (MANE Select); coding-DNA position 313, A replaced by C.
Protein change: p.Lys105Gln; replaces lysine 105 with glutamine.
Molecular consequence: missense variant. On other transcripts: non-coding transcript variant (2).
Genome position (GRCh38, 1-based): chr7:155,806,545, T>G on the plus strand (A>C on the coding strand, the complement: SHH is on the minus strand). VCF-style: chr7-155806545-T-G. GRCh37 (hg19) VCF-style: chr7-155599239-T-G.
Other names: c.52A>C, p.Lys18Gln (NM_001310462.2); short protein forms K105Q, K18Q.
Identifiers: ClinVar variation 1708622 (VCV001708622.2), dbSNP rs104894045, ClinGen allele CA370149431.

ClinVar aggregate classification (germline): Uncertain significance (1 of 4 stars; one submission).

Submission:

GeneDx
Classification: Uncertain significance. Last evaluated: 2022-04-05. Review status: criteria provided, single submitter. Criteria: GeneDx Variant Classification Process June 2021. Collection method: clinical testing. Allele origin: germline. Affected: yes.
Comment: Not observed at significant frequency in large population cohorts (gnomAD); In silico analysis supports that this missense variant has a deleterious effect on protein structure/function; Has not been previously published as pathogenic or benign to our knowledge